The following is an entry in ClinVar:

NM_183050.4(BCKDHB):c.1023del (p.Ser342fs)

Gene: BCKDHB (branched chain keto acid dehydrogenase E1 subunit beta; plus strand). Cytogenetic location: 6q14.1.
Variant type: Deletion.
Coding change: c.1023del on transcript NM_183050.4 (MANE Select); coding-DNA position 1023, one base deleted (C; older notation c.1023delC).
Protein change: p.Ser342fs; shifts the reading frame from serine 342.
Molecular consequence: frameshift variant. On other transcripts: non-coding transcript variant (1).
Genome position (GRCh38, 1-based): chr6:80,273,206, C deleted. VCF-style (leftmost placement, unchanged base first): chr6-80273205-TC-T. GRCh37 (hg19) VCF-style: chr6-80982922-TC-T.
Other names: c.1023del, p.Ser342fs (NM_000056.5); c.813del, p.Ser272fs (NM_001318975.1); short protein forms S272fs, S342fs.
Identifiers: ClinVar variation 551982 (VCV000551982.12), dbSNP rs776270090, ClinGen allele CA3902826.

ClinVar aggregate classification (germline): Likely pathogenic. Review status: criteria provided, single submitter (1 of 4 stars). 2 submissions from 2 submitters: Likely pathogenic (1). 1 of the submissions does not count toward it. Last evaluated 2020-09-09.

Conditions:
Maple syrup urine disease type 1A (MSUD1A). Also called: MSUD type 1A. Identifiers: MedGen C1855369, MONDO:0023691, OMIM 248600.
Maple syrup urine disease (MSUD). Identifiers: Orphanet 511, MedGen C0024776, MeSH D008375, MONDO:0009563. Disease mechanism: loss of function.

Allele frequency attached by ClinVar (database versions not stated): gnomAD exomes below 0.00001; TOPMed below 0.00001; ExAC 0.00001; gnomAD 0.00001.

Submissions (2):

Labcorp Genetics (formerly Invitae), Labcorp
Classification: Likely pathogenic for Maple syrup urine disease. Last evaluated: 2020-09-09. Review status: criteria provided, single submitter. Criteria: Invitae Variant Classification Sherloc (09022015). Collection method: clinical testing. Allele origin: germline.
Comment: In summary, the currently available evidence indicates that the variant is pathogenic, but additional data are needed to prove that conclusively. Therefore, this variant has been classified as Likely Pathogenic. This variant disrupts the C-terminus of the BCKDHB protein. Other variants that disrupt this region (p.Glu372*, p.Arg387*, p.Tyr383*) have been observed in individuals with BCKDHB-related conditions (PMID: 11509994, 30228974, 11112664). This suggests that this may be a clinically significant region of the protein. Experimental studies and prediction algorithms are not available for this variant, and the functional significance of the affected amino acids is currently unknown. ClinVar contains an entry for this variant (Variation ID: 551982). This variant is present in population databases (rs776270090, ExAC 0.01%). This sequence change results in a premature translational stop signal in the BCKDHB gene (p.Ser342Alafs*10). While this is not anticipated to result in nonsense mediated decay, it is expected to disrupt the last 42 amino acids of the BCKDHB protein.

Counsyl
Classification: Likely pathogenic for Maple syrup urine disease type 1A. Last evaluated: 2017-05-12. Review status: no assertion criteria provided. Collection method: clinical testing. Allele origin: unknown. Not counted in ClinVar's aggregate classification.

Literature cited by the submitters: PubMed 11509994 (cited by Labcorp Genetics (formerly Invitae), Labcorp); PubMed 30228974 (cited by Labcorp Genetics (formerly Invitae), Labcorp); PubMed 11112664 (cited by Labcorp Genetics (formerly Invitae), Labcorp).